The following is an entry in ClinVar:

ClinVar aggregate classification (germline): Conflicting classifications of pathogenicity. Review status: criteria provided, conflicting classifications (1 of 4 stars). 3 submissions from 3 submitters: Uncertain significance (2); Likely benign (1). Last evaluated 2025-08-20.

Conditions:
Distal myopathy with posterior leg and anterior hand involvement. Also called: WILLIAMS DISTAL MYOPATHY. Identifiers: Orphanet 63273, MedGen C3279722, MONDO:0013550, OMIM 614065.
Myofibrillar myopathy 5. Also called: Filaminopathy (type); FILAMINOPATHY, AUTOSOMAL DOMINANT. Identifiers: Orphanet 171445, MedGen C1836050, MONDO:0012289, OMIM 609524.
Hypertrophic cardiomyopathy 26. Also called: Cardiomyopathy, familial hypertrophic, 26. Identifiers: Orphanet 75249, MedGen C4310749, MONDO:0014883, OMIM 617047.
Cardiovascular phenotype. Identifiers: MedGen CN230736.

Allele frequency attached by ClinVar (database versions not stated): TOPMed 0.00002; ExAC 0.00004.
gnomAD v4.1: 21 of 1,612,818 alleles (0.0013%); highest among the groups gnomAD compares: East Asian, 0.0022%; no homozygotes.

Submissions (3):

Labcorp Genetics (formerly Invitae), Labcorp
Classification: Uncertain significance for Distal myopathy with posterior leg and anterior hand involvement; Myofibrillar myopathy 5; Hypertrophic cardiomyopathy 26. Last evaluated: 2025-08-20. Review status: criteria provided, single submitter. Criteria: Invitae Variant Classification Sherloc (09022015). Collection method: clinical testing. Allele origin: germline.
Comment: This sequence change replaces arginine, which is basic and polar, with leucine, which is neutral and non-polar, at codon 461 of the FLNC protein (p.Arg461Leu). This variant is present in population databases (rs377587489, gnomAD 0.006%). This variant has not been reported in the literature in individuals affected with FLNC-related conditions. ClinVar contains an entry for this variant (Variation ID: 846205). Invitae Evidence Modeling of protein sequence and biophysical properties (such as structural, functional, and spatial information, amino acid conservation, physicochemical variation, residue mobility, and thermodynamic stability) has been performed for this missense variant. However, the output from this modeling did not meet the statistical confidence thresholds required to predict the impact of this variant on FLNC protein function. In summary, the available evidence is currently insufficient to determine the role of this variant in disease. Therefore, it has been classified as a Variant of Uncertain Significance.

Ambry Genetics
Classification: Uncertain significance for Cardiovascular phenotype. Last evaluated: 2023-08-03. Review status: criteria provided, single submitter. Criteria: Ambry Variant Classification Scheme 2023. Collection method: clinical testing. Allele origin: germline.
Comment: The p.R461L variant (also known as c.1382G>T), located in coding exon 8 of the FLNC gene, results from a G to T substitution at nucleotide position 1382. The arginine at codon 461 is replaced by leucine, an amino acid with dissimilar properties. This amino acid position is conserved. In addition, this alteration is predicted to be tolerated by in silico analysis. Since supporting evidence is limited at this time, the clinical significance of this alteration remains unclear.

Blueprint Genetics
Classification: Likely benign. Last evaluated: 2018-04-14. Review status: criteria provided, single submitter. Criteria: ACMG Guidelines, 2015. Collection method: clinical testing. Allele origin: germline.

NM_001458.5(FLNC):c.1382G>T (p.Arg461Leu)

Gene: FLNC (filamin C; plus strand). Cytogenetic location: 7q32.1.
Variant type: single nucleotide variant.
Coding change: c.1382G>T on transcript NM_001458.5 (MANE Select); coding-DNA position 1382, G replaced by T.
Protein change: p.Arg461Leu; replaces arginine 461 with leucine.
Molecular consequence: missense variant.
Genome position (GRCh38, 1-based): chr7:128,838,774, G>T. VCF-style: chr7-128838774-G-T. GRCh37 (hg19) VCF-style: chr7-128478828-G-T.
Other names: c.1382G>T, p.Arg461Leu (NM_001127487.2); short protein forms R461L.
Identifiers: ClinVar variation 846205 (VCV000846205.12), dbSNP rs377587489, ClinGen allele CA4474312.